The following is an entry in ClinVar:

ClinVar aggregate classification (germline): Uncertain significance (1 of 4 stars; one submission).

Conditions:
Charcot-Marie-Tooth disease type 4. Also called: Charcot-Marie-Tooth, Type 4; Charcot-Marie-Tooth disease, type IV. Identifiers: Orphanet 64749, MedGen C4082197, MONDO:0018995.

Allele frequency attached by ClinVar (database versions not stated): gnomAD exomes below 0.00001; TOPMed below 0.00001; ExAC 0.00001.
gnomAD v4.1: 4 of 1,614,148 alleles (0.00025%); highest among the groups gnomAD compares: Admixed American, 0.0067%; no homozygotes.

Submission:

Labcorp Genetics (formerly Invitae), Labcorp
Classification: Uncertain significance for Charcot-Marie-Tooth disease type 4. Last evaluated: 2017-08-15. Review status: criteria provided, single submitter. Criteria: Invitae Variant Classification Sherloc (09022015). Collection method: clinical testing. Allele origin: germline.
Comment: This sequence change replaces serine with threonine at codon 420 of the FGD4 protein (p.Ser420Thr). The serine residue is highly conserved and there is a small physicochemical difference between serine and threonine. This variant is present in population databases (rs759385629, ExAC 0.009%). This variant has not been reported in the literature in individuals with FGD4-related disease. Algorithms developed to predict the effect of missense changes on protein structure and function do not agree on the potential impact of this missense change (SIFT: "Deleterious"; PolyPhen-2: "Benign"; Align-GVGD: "Class C55"). In summary, the available evidence is currently insufficient to determine the role of this variant in disease. Therefore, it has been classified as a Variant of Uncertain Significance.

NM_001370298.3(FGD4):c.1669T>A (p.Ser557Thr)

Gene: FGD4 (FYVE, RhoGEF and PH domain containing 4; plus strand). Cytogenetic location: 12p11.21.
Variant type: single nucleotide variant.
Coding change: c.1669T>A on transcript NM_001370298.3 (MANE Select); coding-DNA position 1669, T replaced by A.
Protein change: p.Ser557Thr; replaces serine 557 with threonine.
Molecular consequence: missense variant.
Genome position (GRCh38, 1-based): chr12:32,611,203, T>A. VCF-style: chr12-32611203-T-A. GRCh37 (hg19) VCF-style: chr12-32764137-T-A.
Other names: c.1513T>A, p.Ser505Thr (NM_001304481.2); c.514T>A, p.Ser172Thr (NM_001304483.2); c.226T>A, p.Ser76Thr (NM_001304484.2); c.979T>A, p.Ser327Thr (NM_001330373.2, NM_001330374.2, NM_001384130.1); c.706T>A, p.Ser236Thr (NM_001370297.1); c.1669T>A, p.Ser557Thr (NM_001384126.1); c.1258T>A, p.Ser420Thr (NM_001384127.1, NM_001384128.1, NM_001385118.1 and 1 more transcripts); short protein forms S420T, S505T, S236T, S327T, S76T, S172T, S557T.
Identifiers: ClinVar variation 543401 (VCV000543401.8), dbSNP rs759385629, ClinGen allele CA6506854.